The following is an entry in ClinVar:

NM_014946.4(SPAST):c.1211T>C (p.Phe404Ser)

Gene: SPAST (spastin; plus strand). Cytogenetic location: 2p22.3.
Variant type: single nucleotide variant.
Coding change: c.1211T>C on transcript NM_014946.4 (MANE Select); coding-DNA position 1211, T replaced by C.
Protein change: p.Phe404Ser; replaces phenylalanine 404 with serine.
Molecular consequence: missense variant.
Genome position (GRCh38, 1-based): chr2:32,128,445, T>C. VCF-style: chr2-32128445-T-C. GRCh37 (hg19) VCF-style: chr2-32353514-T-C.
Other names: c.1208T>C, p.Phe403Ser (NM_001363823.2); c.1112T>C, p.Phe371Ser (NM_001363875.2); c.1115T>C, p.Phe372Ser (NM_001377959.1, NM_199436.2); short protein forms F371S, F372S, F403S, F404S.
Identifiers: ClinVar variation 966270 (VCV000966270.9), dbSNP rs1679265515, ClinGen allele CA346501442.

ClinVar aggregate classification (germline): Uncertain significance (1 of 4 stars; one submission).

Conditions:
Hereditary spastic paraplegia 4. Also called: Spastic paraplegia 4, autosomal dominant; Spastic Paraplegia 4; Familial spastic paraplegia autosomal dominant 2. Identifiers: Orphanet 100985, MedGen C1866855, MONDO:0008438, OMIM 182601.

Submission:

Labcorp Genetics (formerly Invitae), Labcorp
Classification: Uncertain significance for Hereditary spastic paraplegia 4. Last evaluated: 2019-10-29. Review status: criteria provided, single submitter. Criteria: Invitae Variant Classification Sherloc (09022015). Collection method: clinical testing. Allele origin: germline.
Comment: In summary, the available evidence is currently insufficient to determine the role of this variant in disease. Therefore, it has been classified as a Variant of Uncertain Significance. Algorithms developed to predict the effect of missense changes on protein structure and function (SIFT, PolyPhen-2, Align-GVGD) all suggest that this variant is likely to be disruptive, but these predictions have not been confirmed by published functional studies and their clinical significance is uncertain. This variant has not been reported in the literature in individuals with SPAST-related conditions. This variant is not present in population databases (ExAC no frequency). This sequence change replaces phenylalanine with serine at codon 404 of the SPAST protein (p.Phe404Ser). The phenylalanine residue is highly conserved and there is a large physicochemical difference between phenylalanine and serine.